The following is an entry in ClinVar:

ClinVar aggregate classification (germline): Uncertain significance (1 of 4 stars; one submission).

Conditions:
Episodic ataxia type 2 (EA2). Also called: ACETAZOLAMIDE-RESPONSIVE HEREDITARY PAROXYSMAL CEREBELLAR ATAXIA; ATAXIA, EPISODIC, WITH NYSTAGMUS; ATAXIA, FAMILIAL PAROXYSMAL; CEREBELLAR ATAXIA, PAROXYSMAL, ACETAZOLAMIDE-RESPONSIVE; CEREBELLOPATHY, HEREDITARY PAROXYSMAL; EPISODIC ATAXIA, NYSTAGMUS-ASSOCIATED. Identifiers: Orphanet 97, MedGen C1720416, MONDO:0007163, OMIM 108500.
Developmental and epileptic encephalopathy, 42 (DEE42A). Also called: Epileptic encephalopathy, early infantile, 42; DEVELOPMENTAL AND EPILEPTIC ENCEPHALOPATHY 42A; EPILEPTIC ENCEPHALOPATHY, EARLY INFANTILE, 42A. Identifiers: MedGen C4310716, MONDO:0014917, OMIM 617106.

Submission:

Labcorp Genetics (formerly Invitae), Labcorp
Classification: Uncertain significance for Developmental and epileptic encephalopathy, 42; Episodic ataxia type 2. Last evaluated: 2026-01-16. Review status: criteria provided, single submitter. Criteria: Invitae Variant Classification Sherloc (09022015). Collection method: clinical testing. Allele origin: germline.
Comment: This sequence change replaces histidine, which is basic and polar, with glutamine, which is neutral and polar, at codon 548 of the CACNA1A protein (p.His548Gln). This variant is not present in population databases (gnomAD no frequency). This variant has not been reported in the literature in individuals affected with CACNA1A-related conditions. Invitae Evidence Modeling of protein sequence and biophysical properties (such as structural, functional, and spatial information, amino acid conservation, physicochemical variation, residue mobility, and thermodynamic stability) indicates that this missense variant is not expected to disrupt CACNA1A protein function with a negative predictive value of 95%. In summary, the available evidence is currently insufficient to determine the role of this variant in disease. Therefore, it has been classified as a Variant of Uncertain Significance.

NM_001127222.2(CACNA1A):c.1641C>G (p.His547Gln)

Gene: CACNA1A (calcium voltage-gated channel subunit alpha1 A; minus strand). Cytogenetic location: 19p13.13.
Variant type: single nucleotide variant.
Coding change: c.1641C>G on transcript NM_001127222.2 (MANE Select); coding-DNA position 1641, C replaced by G.
Protein change: p.His547Gln; replaces histidine 547 with glutamine.
Molecular consequence: missense variant.
Genome position (GRCh38, 1-based): chr19:13,312,696, G>C on the plus strand (C>G on the coding strand, the complement: CACNA1A is on the minus strand). VCF-style: chr19-13312696-G-C. GRCh37 (hg19) VCF-style: chr19-13423510-G-C.
Other names: c.1644C>G, p.His548Gln (NM_001127221.2, NM_001174080.2, NM_023035.3 and 1 more transcripts); short protein forms H548Q, H547Q.
Identifiers: ClinVar variation 4789730 (VCV004789730.1).
Genomic context (GRCh38, chr19:13,312,696, plus strand): 5'-GAGAAATGAACTCTTAGAAACAAGAGCACTTACCCCACAGTCAAAGCAGTTGAAGGAAGA[G>C]TGGAAGTAAGGCCGCGTCCCAAGCCCGTACATTTTTATAAACATTTCGGACATAAAGAGT-3'
Protein context (NP_001120694.1, residues 537-557): MYGLGTRPYF[His547Gln]SSFNCFDCGV